The following is an entry in ClinVar:

NM_007294.4(BRCA1):c.1271G>T (p.Gly424Val)

Gene: BRCA1 (BRCA1 DNA repair associated; minus strand). Cytogenetic location: 17q21.31.
Variant type: single nucleotide variant.
Coding change: c.1271G>T on transcript NM_007294.4 (MANE Select); coding-DNA position 1271, G replaced by T.
Protein change: p.Gly424Val; replaces glycine 424 with valine.
Molecular consequence: missense variant. On other transcripts: intron variant (137).
Genome position (GRCh38, 1-based): chr17:43,094,260, C>A on the plus strand (G>T on the coding strand, the complement: BRCA1 is on the minus strand). VCF-style: chr17-43094260-C-A. GRCh37 (hg19) VCF-style: chr17-41246277-C-A.
Other names: c.1130G>T, p.Gly377Val (NM_001407751.1, NM_001407752.1, NM_001407850.1 and 29 more transcripts); c.1127G>T, p.Gly376Val (NM_001407838.1, NM_001407849.1, NM_001407744.1 and 20 more transcripts); c.1058G>T, p.Gly353Val (NM_001407853.1, NM_001407894.1, NM_001407895.1 and 9 more transcripts); c.1271G>T, p.Gly424Val (NM_001407854.1, NM_001407858.1, NM_001407859.1 and 30 more transcripts); c.1268G>T, p.Gly423Val (NM_001407627.1, NM_001407628.1, NM_001407638.1 and 22 more transcripts); c.1262G>T, p.Gly421Val (NM_001407646.1, NM_001407647.1); c.1148G>T, p.Gly383Val (NM_001407648.1, NM_001407680.1, NM_001407681.1 and 19 more transcripts); c.1145G>T, p.Gly382Val (NM_001407685.1, NM_001407686.1, NM_001407687.1 and 11 more transcripts); and 40 more; short protein forms G128V, G296V, G377V, G423V, G256V, G297V, G313V, G336V.
Identifiers: ClinVar variation 4215081 (VCV004215081.1).

ClinVar aggregate classification (germline): Uncertain significance (1 of 4 stars; one submission).

Conditions:
Hereditary cancer-predisposing syndrome. Also called: Neoplastic Syndromes, Hereditary; Tumor predisposition; Hereditary Cancer Syndrome; Hereditary neoplastic syndrome. Identifiers: Orphanet 140162, MedGen C0027672, MeSH D009386, MONDO:0015356.

Submission:

Ambry Genetics
Classification: Uncertain significance for Hereditary cancer-predisposing syndrome. Last evaluated: 2025-07-09. Review status: criteria provided, single submitter. Criteria: Ambry Variant Classification Scheme 2023. Collection method: clinical testing. Allele origin: germline.
Comment: The p.G424V variant (also known as c.1271G>T), located in coding exon 9 of the BRCA1 gene, results from a G to T substitution at nucleotide position 1271. The glycine at codon 424 is replaced by valine, an amino acid with dissimilar properties. This amino acid position is conserved. In addition, the in silico prediction for this alteration is inconclusive. Based on the available evidence, the clinical significance of this variant remains unclear.